The following is an entry in ClinVar:

ClinVar aggregate classification (germline): Uncertain significance (1 of 4 stars; one submission).

Conditions:
CHARGE syndrome (CHARGE). Also called: Hittner Hirsch Kreh syndrome; CHARGE ASSOCIATION--COLOBOMA, HEART ANOMALY, CHOANAL ATRESIA, RETARDATION, GENITAL AND EAR ANOMALIES; Coloboma, heart anomaly, choanal atresia, retardation, genital and ear anomalies; CHARGE association; Hall-Hittner syndrome. Identifiers: Orphanet 138, MedGen C0265354, MONDO:0008965.

gnomAD v4.1: 2 of 1,613,784 alleles (0.00012%); highest among the groups gnomAD compares: South Asian, 0.0011%; no homozygotes.

Submission:

Labcorp Genetics (formerly Invitae), Labcorp
Classification: Uncertain significance for CHARGE syndrome. Last evaluated: 2025-07-03. Review status: criteria provided, single submitter. Criteria: Invitae Variant Classification Sherloc (09022015). Collection method: clinical testing. Allele origin: germline.
Comment: This sequence change replaces threonine, which is neutral and polar, with alanine, which is neutral and non-polar, at codon 59 of the CHD7 protein (p.Thr59Ala). This variant is not present in population databases (gnomAD no frequency). This variant has not been reported in the literature in individuals affected with CHD7-related conditions. Invitae Evidence Modeling of protein sequence and biophysical properties (such as structural, functional, and spatial information, amino acid conservation, physicochemical variation, residue mobility, and thermodynamic stability) indicates that this missense variant is not expected to disrupt CHD7 protein function with a negative predictive value of 95%. In summary, the available evidence is currently insufficient to determine the role of this variant in disease. Therefore, it has been classified as a Variant of Uncertain Significance.

NM_017780.4(CHD7):c.175A>G (p.Thr59Ala)

Gene: CHD7 (chromodomain helicase DNA binding protein 7; plus strand). Cytogenetic location: 8q12.2.
Variant type: single nucleotide variant.
Coding change: c.175A>G on transcript NM_017780.4 (MANE Select); coding-DNA position 175, A replaced by G.
Protein change: p.Thr59Ala; replaces threonine 59 with alanine.
Molecular consequence: missense variant.
Genome position (GRCh38, 1-based): chr8:60,741,607, A>G. VCF-style: chr8-60741607-A-G. GRCh37 (hg19) VCF-style: chr8-61654166-A-G.
Other names: c.175A>G, p.Thr59Ala (NM_001316690.1); short protein forms T59A.
Identifiers: ClinVar variation 4708066 (VCV004708066.1).